The following is an entry in ClinVar:

NM_138694.4(PKHD1):c.8411T>C (p.Met2804Thr)

Gene: PKHD1 (PKHD1 ciliary IPT domain containing fibrocystin/polyductin; minus strand). Cytogenetic location: 6p12.3.
Variant type: single nucleotide variant.
Coding change: c.8411T>C on transcript NM_138694.4 (MANE Select); coding-DNA position 8411, T replaced by C.
Protein change: p.Met2804Thr; replaces methionine 2804 with threonine.
Molecular consequence: missense variant.
Genome position (GRCh38, 1-based): chr6:51,791,265, A>G on the plus strand (T>C on the coding strand, the complement: PKHD1 is on the minus strand). VCF-style: chr6-51791265-A-G. GRCh37 (hg19) VCF-style: chr6-51656063-A-G.
Other names: c.8411T>C, p.Met2804Thr (NM_170724.3); short protein forms M2804T.
Identifiers: ClinVar variation 4291928 (VCV004291928.1).

ClinVar aggregate classification (germline): Uncertain significance (1 of 4 stars; one submission).

Conditions:
Polycystic kidney disease 4 (PKD4). Also called: POLYCYSTIC KIDNEY AND HEPATIC DISEASE 1; POLYCYSTIC KIDNEY DISEASE, INFANTILE, TYPE I; POLYCYSTIC KIDNEY DISEASE 4 WITH OR WITHOUT POLYCYSTIC LIVER DISEASE; PKD3; Autosomal Recessive Polycystic Kidney Disease – PKHD1. Identifiers: MedGen C4540575, MONDO:0033004, OMIM 263200.

Submission:

3billion
Classification: Uncertain significance for Polycystic kidney disease 4. Last evaluated: 2024-08-07. Review status: criteria provided, single submitter. Criteria: ACMG Guidelines, 2015. Collection method: clinical testing. Allele origin: germline. Affected: yes.
Comment: The variant is not observed in the gnomAD v4.0.0 dataset. Predicted Consequence/Location: Missense variant Damaging effect on gene or gene product predicted by in silico programs is uncertain [REVEL: 0.60 (damaging >=0.6, benign <0.4)]. A different missense change at the same codon (p.Met2804Lys) has been reported as pathogenic/likely pathogenic with strong evidence (ClinVar ID: VCV000197958 /PMID: 19914852). Therefore, this variant is classified as VUS according to the recommendation of ACMG/AMP guideline.

Literature cited by the submitters: PubMed 19914852.